The following is an entry in ClinVar:

NM_000492.4(CFTR):c.429del (p.Phe143fs)

Gene: CFTR (CF transmembrane conductance regulator; plus strand). Cytogenetic location: 7q31.2.
Variant type: Deletion.
Coding change: c.429del on transcript NM_000492.4 (MANE Select); coding-DNA position 429, one base deleted (T; older notation c.429delT).
Protein change: p.Phe143fs; shifts the reading frame from phenylalanine 143.
Molecular consequence: frameshift variant.
Genome position (GRCh38, 1-based): chr7:117,531,054, T deleted; the last of 5 consecutive T bases (chr7:117,531,050-117,531,054); deleting any one gives the same sequence. VCF-style (leftmost placement, unchanged base first): chr7-117531049-AT-A. GRCh37 (hg19) VCF-style: chr7-117171103-AT-A.
Other names: p.Phe143LeufsX10; c.429delT (NM_000492.3); short protein forms F143fs.
Identifiers: ClinVar variation 7147 (VCV000007147.16), dbSNP rs387906364, ClinGen allele CA325541.

ClinVar aggregate classification (germline): Pathogenic. Review status: reviewed by expert panel (3 of 4 stars). 7 submissions from 7 submitters: Pathogenic (1). 6 of the submissions do not count toward it. Last evaluated 2020-07-31.

Conditions:
Cystic fibrosis (CF). Also called: MUCOVISCIDOSIS. Identifiers: Orphanet 586, MedGen C0010674, MONDO:0009061, OMIM 219700. Disease mechanism: loss of function.
Congenital bilateral aplasia of vas deferens from CFTR mutation (CBAVD). Identifiers: Orphanet 48, MedGen C0403814, MONDO:0010178, OMIM 277180. Disease mechanism: loss of function.
Hereditary pancreatitis (PCTT). Also called: Hereditary chronic pancreatitis; PRSS1-Related Hereditary Pancreatitis. Identifiers: Orphanet 676, MedGen C0238339, MONDO:0008185, OMIM 167800.
Bronchiectasis with or without elevated sweat chloride 1 (BESC1). Also called: Cystic Fibrosis-Like Syndrome. Identifiers: Orphanet 60033, MedGen C2749757, MONDO:0008887, OMIM 211400.
CFTR-related disorder (CFTR-RD). Also called: CFTR-related disorders; CFTR-related condition. Identifiers: MedGen C5924204, MONDO:7770004.

Submissions (7):

CFTR2
Classification: Pathogenic for Cystic fibrosis. Last evaluated: 2020-07-31. Review status: reviewed by expert panel. Criteria: Submitter's publication and website. Collection method: research. Allele origin: germline. Affected: yes.

Natera, Inc.
Classification: Pathogenic for CFTR-related disorders. Last evaluated: 2025-09-22. Review status: criteria provided, single submitter. Criteria: Natera Variant Classification Schema (03/2026). Collection method: clinical testing. Allele origin: germline. Not counted in ClinVar's aggregate classification.
Comment: The c.429delT variant in CFTR is a frameshift variant predicted to shift the reading frame beginning at codon 143 and leads to a stop codon 10 codons downstream. This variant is expected to result in nonsense mediated decay, truncation, or a dysfunctional protein product. This variant is rare in the general population with a frequency below the threshold expected for the associated phenotype(s). This variant has been observed in one or more individuals affected with the associated recessive disease, as either homozygous or compound heterozygous with a second variant (PMID: 1374052, 35697137). Given the available evidence, this variant is classified as Pathogenic.

Fulgent Genetics
Classification: Pathogenic for Hereditary pancreatitis; Bronchiectasis with or without elevated sweat chloride 1; Cystic fibrosis; Congenital bilateral aplasia of vas deferens from CFTR mutation. Last evaluated: 2024-04-23. Review status: criteria provided, single submitter. Criteria: ACMG Guidelines, 2015. Collection method: clinical testing. Allele origin: germline. Not counted in ClinVar's aggregate classification.

Women's Health and Genetics/Laboratory Corporation of America, LabCorp
Classification: Pathogenic for Cystic fibrosis. Last evaluated: 2020-12-24. Review status: criteria provided, single submitter. Criteria: LabCorp Variant Classification Summary - May 2015. Collection method: clinical testing. Allele origin: germline. Not counted in ClinVar's aggregate classification.
Comment: Variant summary: CFTR c.429delT (p.Phe143LeufsX10) results in a premature termination codon, predicted to cause a truncation of the encoded protein or absence of the protein due to nonsense mediated decay, which are commonly known mechanisms for disease. Truncations downstream of this position have been classified as pathogenic by our laboratory. The variant was absent in 250646 control chromosomes (gnomAD). c.429delT (also known as 557delT) has been reported in the literature in multiple individuals affected with Cystic Fibrosis (e.g. Schwarz_1995, Hughes_1996, McCague_2019). These data indicate that the variant is very likely to be associated with disease. No clinical diagnostic laboratories have submitted clinical-significance assessments for this variant to ClinVar after 2014. Based on the evidence outlined above, the variant was classified as pathogenic.

Labcorp Genetics (formerly Invitae), Labcorp
Classification: Pathogenic for Cystic fibrosis. Last evaluated: 2018-10-19. Review status: criteria provided, single submitter. Criteria: Invitae Variant Classification Sherloc (09022015). Collection method: clinical testing. Allele origin: germline. Not counted in ClinVar's aggregate classification.
Comment: For these reasons, this variant has been classified as Pathogenic. This sequence change creates a premature translational stop signal (p.Phe143Leufs*10) in the CFTR gene. It is expected to result in an absent or disrupted protein product. This variant is not present in population databases (ExAC no frequency). This variant has been observed in an individual affected with cystic fibrosis (PMID: 1374052). This variant is also known as 557delT in the literature. ClinVar contains an entry for this variant (Variation ID: 7147). Loss-of-function variants in CFTR are known to be pathogenic (PMID: 1695717, 7691345, 9725922).

Ambry Genetics
Classification: Pathogenic for Cystic fibrosis. Last evaluated: 2015-11-25. Review status: criteria provided, single submitter. Criteria: Ambry Variant Classification Scheme 2023. Collection method: clinical testing. Allele origin: germline. Not counted in ClinVar's aggregate classification.
Comment: The c.429delT pathogenic mutation is located in coding exon 4 of the CFTR gene, results from a deletion of one nucleotide at position 429, causing a translational frameshift with a predicted alternate stop codon. This pathogenic mutation was described in a patient with elevated sweat chloride levels, pancreatic insufficiency, and mild pulmonary involvement (Graham CA et al. Genomics 1992;12:854). In addition to the clinical data presented in the literature, since frameshifts are typically deleterious in nature, this alteration is interpreted as a disease-causing mutation (ACMG Recommendations for Standards for Interpretation and Reporting of Sequence Variations. Revision 2007. Genet Med. 2008;10:294).

OMIM
Classification: Pathogenic for CYSTIC FIBROSIS. Last evaluated: 1992-04-01. Review status: no assertion criteria provided. Collection method: literature only. Allele origin: germline. Not counted in ClinVar's aggregate classification.

Literature cited by the submitters: PubMed 1374052 (cited by 3 submitters); PubMed 35697137 (cited by Natera, Inc.); PubMed 8889582 (cited by Women's Health and Genetics/Laboratory Corporation of America, LabCorp); PubMed 8680406 (cited by Women's Health and Genetics/Laboratory Corporation of America, LabCorp); PubMed 30888834 (cited by Women's Health and Genetics/Laboratory Corporation of America, LabCorp); PubMed 1695717 (cited by Labcorp Genetics (formerly Invitae), Labcorp); PubMed 7691345 (cited by Labcorp Genetics (formerly Invitae), Labcorp); PubMed 9725922 (cited by Labcorp Genetics (formerly Invitae), Labcorp).